The following is an entry in ClinVar:

NM_000092.5(COL4A4):c.1634G>T (p.Gly545Val)

Gene: COL4A4 (collagen type IV alpha 4 chain; minus strand). Cytogenetic location: 2q36.3.
Variant type: single nucleotide variant.
Coding change: c.1634G>T on transcript NM_000092.5 (MANE Select); coding-DNA position 1634, G replaced by T.
Protein change: p.Gly545Val; replaces glycine 545 with valine.
Molecular consequence: missense variant.
Genome position (GRCh38, 1-based): chr2:227,082,177, C>A on the plus strand (G>T on the coding strand, the complement: COL4A4 is on the minus strand). VCF-style: chr2-227082177-C-A. GRCh37 (hg19) VCF-style: chr2-227946893-C-A.
Other names: short protein forms G545V.
Identifiers: ClinVar variation 1996619 (VCV001996619.4), dbSNP rs1800516, ClinGen allele CA350847910.

ClinVar aggregate classification (germline): Uncertain significance (1 of 4 stars; one submission).

Submission:

Labcorp Genetics (formerly Invitae), Labcorp
Classification: Uncertain significance. Last evaluated: 2022-05-19. Review status: criteria provided, single submitter. Criteria: Invitae Variant Classification Sherloc (09022015). Collection method: clinical testing. Allele origin: germline.
Comment: Advanced modeling of protein sequence and biophysical properties (such as structural, functional, and spatial information, amino acid conservation, physicochemical variation, residue mobility, and thermodynamic stability) performed at Invitae indicates that this missense variant is expected to disrupt COL4A4 protein function. This variant has not been reported in the literature in individuals affected with COL4A4-related conditions. This variant is not present in population databases (gnomAD no frequency). This sequence change replaces glycine, which is neutral and non-polar, with valine, which is neutral and non-polar, at codon 545 of the COL4A4 protein (p.Gly545Val). In summary, the available evidence is currently insufficient to determine the role of this variant in disease. Therefore, it has been classified as a Variant of Uncertain Significance.